The following is an entry in ClinVar:

ClinVar aggregate classification (germline): Uncertain significance (1 of 4 stars; one submission).

Conditions:
Familial temporal lobe epilepsy 7. Identifiers: Orphanet 101046, MedGen C4225327, MONDO:0014639, OMIM 616436.
Norman-Roberts syndrome (LIS2). Also called: Lissencephaly 2 (Norman-Roberts type). Identifiers: Orphanet 89844, MedGen C0796089, MONDO:0009760, OMIM 257320.

Allele frequency attached by ClinVar (database versions not stated): gnomAD exomes below 0.00001; TOPMed below 0.00001; gnomAD 0.00001.
gnomAD v4.1: 2 of 1,613,828 alleles (0.00012%); highest among the groups gnomAD compares: Non-Finnish European, 0.00017%; no homozygotes.

Submission:

Labcorp Genetics (formerly Invitae), Labcorp
Classification: Uncertain significance for Familial temporal lobe epilepsy 7; Norman-Roberts syndrome. Last evaluated: 2020-07-25. Review status: criteria provided, single submitter. Criteria: Invitae Variant Classification Sherloc (09022015). Collection method: clinical testing. Allele origin: germline.
Comment: In summary, the available evidence is currently insufficient to determine the role of this variant in disease. Therefore, it has been classified as a Variant of Uncertain Significance. Algorithms developed to predict the effect of missense changes on protein structure and function are either unavailable or do not agree on the potential impact of this missense change (SIFT: "Deleterious"; PolyPhen-2: "Possibly Damaging"; Align-GVGD: "Class C0"). This variant has not been reported in the literature in individuals with RELN-related conditions. This variant is not present in population databases (ExAC no frequency). This sequence change replaces cysteine with glycine at codon 1037 of the RELN protein (p.Cys1037Gly). The cysteine residue is highly conserved and there is a large physicochemical difference between cysteine and glycine.

NM_005045.4(RELN):c.3109T>G (p.Cys1037Gly)

Gene: RELN (reelin; minus strand). Cytogenetic location: 7q22.1.
Variant type: single nucleotide variant.
Coding change: c.3109T>G on transcript NM_005045.4 (MANE Select); coding-DNA position 3109, T replaced by G.
Protein change: p.Cys1037Gly; replaces cysteine 1037 with glycine.
Molecular consequence: missense variant.
Genome position (GRCh38, 1-based): chr7:103,604,383, A>C on the plus strand (T>G on the coding strand, the complement: RELN is on the minus strand). VCF-style: chr7-103604383-A-C. GRCh37 (hg19) VCF-style: chr7-103244830-A-C.
Other names: c.3109T>G, p.Cys1037Gly (NM_173054.3); short protein forms C1037G.
Identifiers: ClinVar variation 1017879 (VCV001017879.8), dbSNP rs1262470607, ClinGen allele CA368763706.